The following is an entry in ClinVar:

NM_001318734.2(KLC2):c.1813C>G (p.Arg605Gly)

Gene: KLC2 (kinesin light chain 2; plus strand). Cytogenetic location: 11q13.2.
Variant type: single nucleotide variant.
Coding change: c.1813C>G on transcript NM_001318734.2 (MANE Select); coding-DNA position 1813, C replaced by G.
Protein change: p.Arg605Gly; replaces arginine 605 with glycine.
Molecular consequence: missense variant.
Genome position (GRCh38, 1-based): chr11:66,266,900, C>G. VCF-style: chr11-66266900-C-G. GRCh37 (hg19) VCF-style: chr11-66034371-C-G.
Other names: c.1582C>G, p.Arg528Gly (NM_001134774.2); c.1813C>G, p.Arg605Gly (NM_001134775.2, NM_001134776.2, NM_022822.3); short protein forms R528G, R605G.
Identifiers: ClinVar variation 1918566 (VCV001918566.5), dbSNP rs779248192, ClinGen allele CA381367376.

ClinVar aggregate classification (germline): Uncertain significance (1 of 4 stars; one submission).

Submission:

Labcorp Genetics (formerly Invitae), Labcorp
Classification: Uncertain significance. Last evaluated: 2024-10-14. Review status: criteria provided, single submitter. Criteria: Invitae Variant Classification Sherloc (09022015). Collection method: clinical testing. Allele origin: germline.
Comment: This sequence change replaces arginine, which is basic and polar, with glycine, which is neutral and non-polar, at codon 605 of the KLC2 protein (p.Arg605Gly). This variant is not present in population databases (gnomAD no frequency). This variant has not been reported in the literature in individuals affected with KLC2-related conditions. ClinVar contains an entry for this variant (Variation ID: 1918566). Experimental studies and prediction algorithms are not available or were not evaluated, and the functional significance of this variant is currently unknown. In summary, the available evidence is currently insufficient to determine the role of this variant in disease. Therefore, it has been classified as a Variant of Uncertain Significance.